The following is an entry in ClinVar:

NM_001286611.2(REPS1):c.1228A>G (p.Thr410Ala)

Gene: REPS1 (RALBP1 associated Eps domain containing 1; minus strand). Cytogenetic location: 6q24.1.
Variant type: single nucleotide variant.
Coding change: c.1228A>G on transcript NM_001286611.2 (MANE Select); coding-DNA position 1228, A replaced by G.
Protein change: p.Thr410Ala; replaces threonine 410 with alanine.
Molecular consequence: missense variant.
Genome position (GRCh38, 1-based): chr6:138,930,006, T>C on the plus strand (A>G on the coding strand, the complement: REPS1 is on the minus strand). VCF-style: chr6-138930006-T-C. GRCh37 (hg19) VCF-style: chr6-139251143-T-C.
Other names: c.1228A>G, p.Thr410Ala (NM_001128617.3, NM_001286612.2, NM_031922.5); short protein forms T410A.
Identifiers: ClinVar variation 3682090 (VCV003682090.2).

ClinVar aggregate classification (germline): Uncertain significance (1 of 4 stars; one submission).

gnomAD v4.1: 39 of 1,613,594 alleles (0.0024%); highest among the groups gnomAD compares: South Asian, 0.043%; no homozygotes.

Submission:

Labcorp Genetics (formerly Invitae), Labcorp
Classification: Uncertain significance. Last evaluated: 2024-09-06. Review status: criteria provided, single submitter. Criteria: Invitae Variant Classification Sherloc (09022015). Collection method: clinical testing. Allele origin: germline.
Comment: This sequence change replaces threonine, which is neutral and polar, with alanine, which is neutral and non-polar, at codon 410 of the REPS1 protein (p.Thr410Ala). This variant is present in population databases (rs763944642, gnomAD 0.04%). This variant has not been reported in the literature in individuals affected with REPS1-related conditions. Invitae Evidence Modeling of protein sequence and biophysical properties (such as structural, functional, and spatial information, amino acid conservation, physicochemical variation, residue mobility, and thermodynamic stability) indicates that this missense variant is not expected to disrupt REPS1 protein function with a negative predictive value of 80%. In summary, the available evidence is currently insufficient to determine the role of this variant in disease. Therefore, it has been classified as a Variant of Uncertain Significance.